The following is an entry in ClinVar:

NM_001145358.2(SIN3A):c.1006C>T (p.Gln336Ter)

Gene: SIN3A (SIN3 transcription regulator family member A; minus strand). Cytogenetic location: 15q24.2.
Variant type: single nucleotide variant.
Coding change: c.1006C>T on transcript NM_001145358.2 (MANE Select); coding-DNA position 1006, C replaced by T.
Protein change: p.Gln336Ter; replaces glutamine 336 with a stop codon.
Molecular consequence: nonsense.
Genome position (GRCh38, 1-based): chr15:75,411,494, G>A on the plus strand (C>T on the coding strand, the complement: SIN3A is on the minus strand). VCF-style: chr15-75411494-G-A. GRCh37 (hg19) VCF-style: chr15-75703835-G-A.
Other names: c.1006C>T, p.Gln336Ter (NM_001145357.2, NM_015477.3); short protein forms Q336*.
Identifiers: ClinVar variation 3239193 (VCV003239193.19), dbSNP rs2542689886.

ClinVar aggregate classification (germline): Pathogenic (1 of 4 stars; one submission).

Submission:

CeGaT Center for Human Genetics Tuebingen
Classification: Pathogenic. Last evaluated: 2024-05-01. Review status: criteria provided, single submitter. Criteria: CeGaT Center For Human Genetics Tuebingen Variant Classification Criteria Version 2. Collection method: clinical testing. Allele origin: germline. Affected: yes. Observed: 1 variant allele.
Comment: SIN3A: PVS1, PM2